The following is an entry in ClinVar:

ClinVar aggregate classification (germline): Uncertain significance (1 of 4 stars; one submission).

Allele frequency attached by ClinVar (database versions not stated): gnomAD exomes below 0.00001; ExAC 0.00001.
gnomAD v4.1: 4 of 1,614,084 alleles (0.00025%); highest among the groups gnomAD compares: Non-Finnish European, 0.00034%; no homozygotes.

Submission:

Labcorp Genetics (formerly Invitae), Labcorp
Classification: Uncertain significance. Last evaluated: 2023-11-01. Review status: criteria provided, single submitter. Criteria: Invitae Variant Classification Sherloc (09022015). Collection method: clinical testing. Allele origin: germline.
Comment: This sequence change replaces glycine, which is neutral and non-polar, with glutamic acid, which is acidic and polar, at codon 533 of the AAAS protein (p.Gly533Glu). This variant is present in population databases (rs761375920, gnomAD 0.0009%). This variant has not been reported in the literature in individuals affected with AAAS-related conditions. ClinVar contains an entry for this variant (Variation ID: 2080294). Experimental studies and prediction algorithms are not available or were not evaluated, and the functional significance of this variant is currently unknown. In summary, the available evidence is currently insufficient to determine the role of this variant in disease. Therefore, it has been classified as a Variant of Uncertain Significance.

NM_015665.6(AAAS):c.1598G>A (p.Gly533Glu)

Gene: AAAS (aladin WD repeat nucleoporin; minus strand). Cytogenetic location: 12q13.13.
Variant type: single nucleotide variant.
Coding change: c.1598G>A on transcript NM_015665.6 (MANE Select); coding-DNA position 1598, G replaced by A.
Protein change: p.Gly533Glu; replaces glycine 533 with glutamic acid.
Molecular consequence: missense variant.
Genome position (GRCh38, 1-based): chr12:53,307,532, C>T on the plus strand (G>A on the coding strand, the complement: AAAS is on the minus strand). VCF-style: chr12-53307532-C-T. GRCh37 (hg19) VCF-style: chr12-53701316-C-T.
Other names: c.1499G>A, p.Gly500Glu (NM_001173466.2); short protein forms G500E, G533E.
Identifiers: ClinVar variation 2080294 (VCV002080294.2), dbSNP rs761375920, ClinGen allele CA6598795.